The following is an entry in ClinVar:

NM_015512.5(DNAH1):c.12510C>A (p.Phe4170Leu)

Gene: DNAH1 (dynein axonemal heavy chain 1; plus strand). Cytogenetic location: 3p21.1.
Variant type: single nucleotide variant.
Coding change: c.12510C>A on transcript NM_015512.5 (MANE Select); coding-DNA position 12510, C replaced by A.
Protein change: p.Phe4170Leu; replaces phenylalanine 4170 with leucine.
Molecular consequence: missense variant.
Genome position (GRCh38, 1-based): chr3:52,399,613, C>A. VCF-style: chr3-52399613-C-A. GRCh37 (hg19) VCF-style: chr3-52433629-C-A.
Other names: short protein forms F4170L.
Identifiers: ClinVar variation 2943684 (VCV002943684.3), dbSNP rs2471307392, ClinGen allele CA353087483.
Genomic context (GRCh38, chr3:52,399,613, plus strand): 5'-TGAGGCACCATCAGAGTTAACACAAAGACCCCAAGTAGGGTGCTATATCCATGGATTATT[C>A]CTGGAAGGTGCCCGCTGGGATCCAGAGGCCTTCCAGCTGGCTGAGTCTCAGCCCAAGGAG-3'
Protein context (NP_056327.4, residues 4160-4180): PQVGCYIHGL[Phe4170Leu]LEGARWDPEA

ClinVar aggregate classification (germline): Uncertain significance (1 of 4 stars; one submission).

Conditions:
Spermatogenic failure 18. Identifiers: MedGen C4539783, MONDO:0054615, OMIM 617576.
Ciliary dyskinesia, primary, 37 (CILD37). Also called: CILIARY DYSKINESIA, PRIMARY, 37, WITH OR WITHOUT SITUS INVERSUS. Identifiers: MedGen C4539798, MONDO:0033204, OMIM 617577.

Submission:

Labcorp Genetics (formerly Invitae), Labcorp
Classification: Uncertain significance for Ciliary dyskinesia, primary, 37; Spermatogenic failure 18. Last evaluated: 2023-01-30. Review status: criteria provided, single submitter. Criteria: Invitae Variant Classification Sherloc (09022015). Collection method: clinical testing. Allele origin: germline.
Comment: This sequence change replaces phenylalanine, which is neutral and non-polar, with leucine, which is neutral and non-polar, at codon 4170 of the DNAH1 protein (p.Phe4170Leu). This variant is not present in population databases (gnomAD no frequency). This variant has not been reported in the literature in individuals affected with DNAH1-related conditions. Advanced modeling of protein sequence and biophysical properties (such as structural, functional, and spatial information, amino acid conservation, physicochemical variation, residue mobility, and thermodynamic stability) has been performed at Invitae for this missense variant, however the output from this modeling did not meet the statistical confidence thresholds required to predict the impact of this variant on DNAH1 protein function. In summary, the available evidence is currently insufficient to determine the role of this variant in disease. Therefore, it has been classified as a Variant of Uncertain Significance.